The following is an entry in ClinVar:

NM_032656.4(DHX37):c.2389C>G (p.Leu797Val)

Gene: DHX37 (DEAH-box helicase 37; minus strand). Cytogenetic location: 12q24.31.
Variant type: single nucleotide variant.
Coding change: c.2389C>G on transcript NM_032656.4 (MANE Select); coding-DNA position 2389, C replaced by G.
Protein change: p.Leu797Val; replaces leucine 797 with valine.
Molecular consequence: missense variant.
Genome position (GRCh38, 1-based): chr12:124,956,755, G>C on the plus strand (C>G on the coding strand, the complement: DHX37 is on the minus strand). VCF-style: chr12-124956755-G-C. GRCh37 (hg19) VCF-style: chr12-125441301-G-C.
Other names: c.2389C>G (NM_032656.3); short protein forms L797V.
Identifiers: ClinVar variation 1919338 (VCV001919338.6), dbSNP rs372590008, ClinGen allele CA6871654.
Genomic context (GRCh38, chr12:124,956,755, plus strand): 5'-CCAGCTCCTCAAACAGCTCCCGCACCGTCATGCTGGCCACGATGGTGATGGCATAGGGCA[G>C]GCAGCCGTGTTGTCGGCTCAGTGCCAGCATCTTAGCGTAGCGGGGTGCCACGGGGAATGT-3'
Protein context (NP_116045.2, residues 787-807): MLALSRQHGC[Leu797Val]PYAITIVASM

ClinVar aggregate classification (germline): Uncertain significance. Review status: criteria provided, multiple submitters, no conflicts (2 of 4 stars). 2 submissions from 2 submitters: Uncertain significance (2). Last evaluated 2025-02-08.

Conditions:
Inborn genetic diseases. Identifiers: MedGen C0950123, MeSH D030342.

Allele frequency attached by ClinVar (database versions not stated): gnomAD exomes 0.00001; ExAC 0.00003; gnomAD 0.00012; TOPMed 0.00012; 1000 Genomes Project 30x 0.00016; 1000 Genomes Project 0.00020; ESP Exome Variant Server 0.00031.
gnomAD v4.1: 30 of 1,609,284 alleles (0.0019%); highest among the groups gnomAD compares: African/African-American, 0.035%; no homozygotes.

Submissions (2):

Ambry Genetics
Classification: Uncertain significance for Inborn genetic diseases. Last evaluated: 2025-02-08. Review status: criteria provided, single submitter. Criteria: Ambry Variant Classification Scheme 2023. Collection method: clinical testing. Allele origin: germline.

Labcorp Genetics (formerly Invitae), Labcorp
Classification: Uncertain significance. Last evaluated: 2024-02-24. Review status: criteria provided, single submitter. Criteria: Invitae Variant Classification Sherloc (09022015). Collection method: clinical testing. Allele origin: germline.
Comment: This sequence change replaces leucine, which is neutral and non-polar, with valine, which is neutral and non-polar, at codon 797 of the DHX37 protein (p.Leu797Val). This variant is present in population databases (rs372590008, gnomAD 0.03%). This variant has not been reported in the literature in individuals affected with DHX37-related conditions. ClinVar contains an entry for this variant (Variation ID: 1919338). Advanced modeling of protein sequence and biophysical properties (such as structural, functional, and spatial information, amino acid conservation, physicochemical variation, residue mobility, and thermodynamic stability) performed at Invitae indicates that this missense variant is not expected to disrupt DHX37 protein function with a negative predictive value of 80%. In summary, the available evidence is currently insufficient to determine the role of this variant in disease. Therefore, it has been classified as a Variant of Uncertain Significance.